The following is an entry in ClinVar:

ClinVar aggregate classification (germline): Uncertain significance (1 of 4 stars; one submission).

Allele frequency attached by ClinVar (database versions not stated): gnomAD exomes 0.00001; TOPMed 0.00001.

Submission:

Labcorp Genetics (formerly Invitae), Labcorp
Classification: Uncertain significance. Last evaluated: 2022-09-27. Review status: criteria provided, single submitter. Criteria: Invitae Variant Classification Sherloc (09022015). Collection method: clinical testing. Allele origin: germline.
Comment: Algorithms developed to predict the effect of missense changes on protein structure and function output the following: SIFT: "Tolerated"; PolyPhen-2: "Benign"; Align-GVGD: "Class C0". The lysine amino acid residue is found in multiple mammalian species, which suggests that this missense change does not adversely affect protein function. This variant has not been reported in the literature in individuals affected with DHX37-related conditions. This variant is not present in population databases (gnomAD no frequency). This sequence change replaces glutamic acid, which is acidic and polar, with lysine, which is basic and polar, at codon 134 of the DHX37 protein (p.Glu134Lys). In summary, the available evidence is currently insufficient to determine the role of this variant in disease. Therefore, it has been classified as a Variant of Uncertain Significance.

NM_032656.4(DHX37):c.400G>A (p.Glu134Lys)

Gene: DHX37 (DEAH-box helicase 37; minus strand). Cytogenetic location: 12q24.31.
Variant type: single nucleotide variant.
Coding change: c.400G>A on transcript NM_032656.4 (MANE Select); coding-DNA position 400, G replaced by A.
Protein change: p.Glu134Lys; replaces glutamic acid 134 with lysine.
Molecular consequence: missense variant.
Genome position (GRCh38, 1-based): chr12:124,980,828, C>T on the plus strand (G>A on the coding strand, the complement: DHX37 is on the minus strand). VCF-style: chr12-124980828-C-T. GRCh37 (hg19) VCF-style: chr12-125465374-C-T.
Other names: short protein forms E134K.
Identifiers: ClinVar variation 2022039 (VCV002022039.4), dbSNP rs865910000, ClinGen allele CA245279389.